The following is an entry in ClinVar:

NM_000474.4(TWIST1):c.540_550del (p.His180fs)

Genes: TWIST1 (twist family bHLH transcription factor 1; minus strand), LOC129998021 (ATAC-STARR-seq lymphoblastoid active region 25682; plus strand). Cytogenetic location: 7p21.1.
Variant type: Deletion.
Coding change: c.540_550del on transcript NM_000474.4 (MANE Select); coding-DNA positions 540 to 550, 11 bases deleted (CGAGCGGCTCA).
Protein change: p.His180fs; shifts the reading frame from histidine 180.
Molecular consequence: frameshift variant. On other transcripts: non-coding transcript variant (1).
Genome position (GRCh38, 1-based): chr7:19,116,772-19,116,782, TGAGCCGCTCG deleted on the plus strand (CGAGCGGCTCA on the coding strand, the reverse complement: TWIST1 is on the minus strand); deleting any 11 consecutive bases within chr7:19,116,772-19,116,788 gives the same sequence; the c. name uses the placement nearest the transcript's 3' end. VCF-style (leftmost placement, unchanged base first): chr7-19116771-CTGAGCCGCTCG-C. GRCh37 (hg19) VCF-style: chr7-19156394-CTGAGCCGCTCG-C.
Other names: short protein forms H180fs.
Identifiers: ClinVar variation 3757421 (VCV003757421.2).

ClinVar aggregate classification (germline): Uncertain significance (1 of 4 stars; one submission).

Conditions:
TWIST1-related craniosynostosis (CRS1). Also called: CRANIOSYNOSTOSIS 1. Identifiers: Orphanet 63440, MedGen C4551902, MONDO:0007399, OMIM 123100. Inheritance: Heterogenous inheritance pattern.
Saethre-Chotzen syndrome (SCS). Also called: ACROCEPHALY, SKULL ASYMMETRY, AND MILD SYNDACTYLY; ACS III; CHOTZEN SYNDROME. Identifiers: Orphanet 794, MedGen C0175699, MONDO:0007042, OMIM 101400.

Submission:

Labcorp Genetics (formerly Invitae), Labcorp
Classification: Uncertain significance for TWIST1-related craniosynostosis; Saethre-Chotzen syndrome. Last evaluated: 2024-07-26. Review status: criteria provided, single submitter. Criteria: Invitae Variant Classification Sherloc (09022015). Collection method: clinical testing. Allele origin: germline.
Comment: This sequence change results in a frameshift in the TWIST1 gene (p.His180Glnfs*54). While this is not anticipated to result in nonsense mediated decay, it is expected to disrupt the last 23 amino acid(s) of the TWIST1 protein and extend the protein by 30 additional amino acid residues. This variant is not present in population databases (gnomAD no frequency). This variant has not been reported in the literature in individuals affected with TWIST1-related conditions. This variant disrupts a region of the TWIST1 protein in which other variant(s) (p.Phe187Leu) have been observed in individuals with TWIST1-related conditions (PMID: 16251895). This suggests that this is a clinically significant region of the protein, and that variants that disrupt it are likely to be disease-causing. In summary, the available evidence is currently insufficient to determine the role of this variant in disease. Therefore, it has been classified as a Variant of Uncertain Significance.

Literature cited by the submitters: PubMed 16251895.